The following is an entry in ClinVar:

NM_022051.3(EGLN1):c.539_540inv (p.Arg180Pro)

Gene: EGLN1 (egl-9 family hypoxia inducible factor 1; minus strand). Cytogenetic location: 1q42.2.
Variant type: Inversion.
Coding change: c.539_540inv on transcript NM_022051.3 (MANE Select).
Protein change: p.Arg180Pro; replaces arginine 180 with proline.
Molecular consequence: missense variant.
Genome position: GRCh38 VCF-style: chr1-231421349-CC-GG. GRCh37 (hg19) VCF-style: chr1-231557095-CC-GG.
Other names: c.539_540inv, p.Arg180Pro (NM_001377260.1, NM_001377261.1); short protein forms R180P.
Identifiers: ClinVar variation 3843872 (VCV003843872.1).

ClinVar aggregate classification (germline): Uncertain significance (1 of 4 stars; one submission).

Submission:

Ambry Genetics
Classification: Uncertain significance. Last evaluated: 2025-03-06. Review status: criteria provided, single submitter. Criteria: Ambry Variant Classification Scheme 2023. Collection method: clinical testing. Allele origin: germline.
Comment: The c.539_540delGGinsCC variant (also known as p.R180P), located in coding exon 1 of the EGLN1 gene, results from an in-frame deletion of GG and insertion of CC at nucleotide positions 539 to 540. This results in the substitution of the arginine residue for a proline residue at codon 180, an amino acid with dissimilar properties. This amino acid position is well conserved in available vertebrate species. In addition, this alteration is predicted to be tolerated by in silico analysis. The evidence for this gene-disease relationship is limited; therefore, the clinical significance of this alteration is unclear.